The following is an entry in ClinVar:

NM_017780.4(CHD7):c.3392T>C (p.Leu1131Pro)

Gene: CHD7 (chromodomain helicase DNA binding protein 7; plus strand). Cytogenetic location: 8q12.2.
Variant type: single nucleotide variant.
Coding change: c.3392T>C on transcript NM_017780.4 (MANE Select); coding-DNA position 3392, T replaced by C.
Protein change: p.Leu1131Pro; replaces leucine 1131 with proline.
Molecular consequence: missense variant. On other transcripts: intron variant (1).
Genome position (GRCh38, 1-based): chr8:60,828,676, T>C. VCF-style: chr8-60828676-T-C. GRCh37 (hg19) VCF-style: chr8-61741235-T-C.
Other names: c.1717-33553T>C (NM_001316690.1); short protein forms L1131P.
Identifiers: ClinVar variation 4686776 (VCV004686776.1).

ClinVar aggregate classification (germline): Likely pathogenic (1 of 4 stars; one submission).

Submission:

GeneDx
Classification: Likely pathogenic. Last evaluated: 2025-07-20. Review status: criteria provided, single submitter. Criteria: GeneDx Variant Classification Process June 2021. Collection method: clinical testing. Allele origin: germline. Affected: yes.
Comment: Reported as a de novo variant in a patient with features of CHARGE syndrome in the published literature, however, parents were not tested and it is not clear if any other genes were evaluated (PMID: 34344124); Not observed at significant frequency in large population cohorts (gnomAD); In silico analysis supports that this missense variant has a deleterious effect on protein structure/function; This variant is associated with the following publications: (PMID: 34344124)